The following is an entry in ClinVar:

ClinVar aggregate classification (germline): Uncertain significance (1 of 4 stars; one submission).

Allele frequency attached by ClinVar (database versions not stated): ExAC 0.00004; gnomAD exomes 0.00004; TOPMed 0.00004; gnomAD 0.00006; ESP Exome Variant Server 0.00015.
gnomAD v4.1: 68 of 1,613,896 alleles (0.0042%); highest among the groups gnomAD compares: Non-Finnish European, 0.0052%; no homozygotes.

Submission:

Labcorp Genetics (formerly Invitae), Labcorp
Classification: Uncertain significance. Last evaluated: 2024-02-28. Review status: criteria provided, single submitter. Criteria: Invitae Variant Classification Sherloc (09022015). Collection method: clinical testing. Allele origin: germline.
Comment: This sequence change replaces glycine, which is neutral and non-polar, with alanine, which is neutral and non-polar, at codon 497 of the FBN3 protein (p.Gly497Ala). This variant is present in population databases (rs371334933, gnomAD 0.01%). This variant has not been reported in the literature in individuals affected with FBN3-related conditions. Advanced modeling of protein sequence and biophysical properties (such as structural, functional, and spatial information, amino acid conservation, physicochemical variation, residue mobility, and thermodynamic stability) performed at Invitae indicates that this missense variant is expected to disrupt FBN3 protein function with a positive predictive value of 80%. In summary, the available evidence is currently insufficient to determine the role of this variant in disease. Therefore, it has been classified as a Variant of Uncertain Significance.

NM_032447.5(FBN3):c.1490G>C (p.Gly497Ala)

Gene: FBN3 (fibrillin 3; minus strand). Cytogenetic location: 19p13.2.
Variant type: single nucleotide variant.
Coding change: c.1490G>C on transcript NM_032447.5 (MANE Select); coding-DNA position 1490, G replaced by C.
Protein change: p.Gly497Ala; replaces glycine 497 with alanine.
Molecular consequence: missense variant.
Genome position (GRCh38, 1-based): chr19:8,136,062, C>G on the plus strand (G>C on the coding strand, the complement: FBN3 is on the minus strand). VCF-style: chr19-8136062-C-G. GRCh37 (hg19) VCF-style: chr19-8200946-C-G.
Other names: c.1490G>C, p.Gly497Ala (NM_001321431.2); short protein forms G497A.
Identifiers: ClinVar variation 2892596 (VCV002892596.3), dbSNP rs371334933, ClinGen allele CA9153285.